The following is an entry in ClinVar:

ClinVar aggregate classification (germline): Uncertain significance. Review status: criteria provided, multiple submitters, no conflicts (2 of 4 stars). 3 submissions from 3 submitters: Uncertain significance (2). 1 of the submissions does not count toward it. Last evaluated 2022-05-22.

Conditions:
21-Hydroxylase-Deficient Congenital Adrenal Hyperplasia. Also called: ADRENAL HYPERPLASIA III; ADRENAL HYPERPLASIA, CONGENITAL, DUE TO 21-HYDROXYLASE DEFICIENCY. Identifiers: MedGen C2936858, OMIM 201910.

Allele frequency attached by ClinVar (database versions not stated): gnomAD exomes 0.00001; TOPMed 0.00001; gnomAD 0.00003.

Submissions (3):

3billion
Classification: Uncertain significance for 21-Hydroxylase-Deficient Congenital Adrenal Hyperplasia. Last evaluated: 2022-05-22. Review status: criteria provided, single submitter. Criteria: ACMG Guidelines, 2015. Collection method: clinical testing. Allele origin: germline. Affected: yes. Observed: 1 heterozygote.
Comment: It has been reported with an extremely low frequency in the gnomAD v2.1.1 dataset (total allele frequency: dMAF: 0.00447, PM2_M). Therefore, this variant is classified as uncertain significanceaccording to the recommendation of ACMG/AMP guideline.

Fulgent Genetics
Classification: Uncertain significance for 21-Hydroxylase-Deficient Congenital Adrenal Hyperplasia. Last evaluated: 2021-10-29. Review status: criteria provided, single submitter. Criteria: ACMG Guidelines, 2015. Collection method: clinical testing. Allele origin: unknown.

Institute of Human Genetics, Medical University Innsbruck
Classification: Uncertain significance for 21-Hydroxylase-Deficient Congenital Adrenal Hyperplasia. Last evaluated: 2019-05-24. Review status: no assertion criteria provided. Collection method: clinical testing. Allele origin: unknown. Not counted in ClinVar's aggregate classification.

NM_000500.9(CYP21A2):c.738+75C>T

Genes: CYP21A2 (cytochrome P450 family 21 subfamily A member 2; plus strand), LOC106780800 (CYP21A2 recombination region; plus strand). Cytogenetic location: 6p21.33.
Variant type: single nucleotide variant.
Coding change: c.738+75C>T on transcript NM_000500.9 (MANE Select); 75 bases into the intron after coding-DNA position 738, C replaced by T.
Molecular consequence: intron variant.
Genome position (GRCh38, 1-based): chr6:32,039,910, C>T. VCF-style: chr6-32039910-C-T. GRCh37 (hg19) VCF-style: chr6-32007687-C-T.
Other names: c.333+75C>T (NM_001368143.2, NM_001368144.2); c.648+75C>T (NM_001128590.4).
Identifiers: ClinVar variation 800630 (VCV000800630.4), dbSNP rs1463196531, ClinGen allele CA566694914.